The following is an entry in ClinVar:

ClinVar aggregate classification (germline): Uncertain significance (1 of 4 stars; one submission).

Conditions:
Early-infantile DEE. Also called: Early infantile epileptic encephalopathy; Ohtahara syndrome; Early infantile epileptic encephalopathy with suppression bursts. Identifiers: Orphanet 1934, MedGen C0393706, MONDO:0800491.

Submission:

Labcorp Genetics (formerly Invitae), Labcorp
Classification: Uncertain significance for Early-infantile DEE. Last evaluated: 2024-05-21. Review status: criteria provided, single submitter. Criteria: Invitae Variant Classification Sherloc (09022015). Collection method: clinical testing. Allele origin: germline.
Comment: This sequence change replaces proline, which is neutral and non-polar, with serine, which is neutral and polar, at codon 1109 of the SCN1A protein (p.Pro1109Ser). This variant is not present in population databases (gnomAD no frequency). This variant has not been reported in the literature in individuals affected with SCN1A-related conditions. Advanced modeling of protein sequence and biophysical properties (such as structural, functional, and spatial information, amino acid conservation, physicochemical variation, residue mobility, and thermodynamic stability) performed at Invitae indicates that this missense variant is expected to disrupt SCN1A protein function with a positive predictive value of 95%. In summary, the available evidence is currently insufficient to determine the role of this variant in disease. Therefore, it has been classified as a Variant of Uncertain Significance.

NM_001165963.4(SCN1A):c.3325C>T (p.Pro1109Ser)

Genes: SCN1A (sodium voltage-gated channel alpha subunit 1; minus strand), LOC102724058 (uncharacterized LOC102724058; plus strand). Cytogenetic location: 2q24.3.
Variant type: single nucleotide variant.
Coding change: c.3325C>T on transcript NM_001165963.4 (MANE Select); coding-DNA position 3325, C replaced by T.
Protein change: p.Pro1109Ser; replaces proline 1109 with serine.
Molecular consequence: missense variant. On other transcripts: non-coding transcript variant (2).
Genome position (GRCh38, 1-based): chr2:166,036,152, G>A on the plus strand (C>T on the coding strand, the complement: SCN1A is on the minus strand). VCF-style: chr2-166036152-G-A. GRCh37 (hg19) VCF-style: chr2-166892662-G-A.
Other names: c.3241C>T, p.Pro1081Ser (NM_001165964.3, NM_001353957.2, NM_001353958.2); c.3325C>T, p.Pro1109Ser (NM_001202435.3, NM_001353948.2); c.3292C>T, p.Pro1098Ser (NM_001353949.2, NM_001353950.2, NM_001353951.2 and 2 more transcripts); c.3289C>T, p.Pro1097Ser (NM_001353954.2, NM_001353955.2); c.3238C>T, p.Pro1080Ser (NM_001353960.2); c.883C>T, p.Pro295Ser (NM_001353961.2); short protein forms P1097S, P1098S, P1081S, P1109S, P295S, P1080S.
Identifiers: ClinVar variation 3634029 (VCV003634029.2).